The following is an entry in ClinVar:

ClinVar aggregate classification (germline): Conflicting classifications of pathogenicity. Review status: criteria provided, conflicting classifications (1 of 4 stars). 8 submissions from 8 submitters: Pathogenic (1); Likely pathogenic (4); Uncertain significance (1). 2 of the submissions do not count toward it. Last evaluated 2025-07-16.

Conditions:
ELP1-Associated Medulloblastoma. Identifiers: MedGen C5670652.
Familial dysautonomia. Also called: HSAN III; FD. Identifiers: Orphanet 1764, MedGen C0013364, MONDO:0009131, OMIM 223900. Disease mechanism: loss of function.
Medulloblastoma (MDB). Also called: MEDULLOBLASTOMA PREDISPOSITION SYNDROME; Medulloblastoma, somatic. Identifiers: Orphanet 616, MedGen C0025149, MeSH D008527, MONDO:0007959, OMIM 155255, HP:0002885.

Allele frequency attached by ClinVar (database versions not stated): TOPMed below 0.00001; gnomAD 0.00001; gnomAD exomes 0.00001.
gnomAD v4.1: 12 of 1,611,034 alleles (0.00074%); highest among the groups gnomAD compares: Middle Eastern, 0.033%; no homozygotes.

Submissions (8):

Institute for Genomic Medicine (IGM) Clinical Laboratory, Nationwide Children's Hospital
Classification: Likely pathogenic for ELP1-Associated Medulloblastoma. Last evaluated: 2025-07-16. Review status: criteria provided, single submitter. Criteria: ACMG Guidelines, 2015. Collection method: clinical testing. Allele origin: germline.
Comment: This variant is predicted to result in loss of function through nonsense-mediated decay of the encoded transcript or premature truncation of the encoded protein in a gene in which loss of function is a known mechanism of disease (ACMG/AMP: PVS1; PMIDs:32296180, 34687117). This variant is absent from or present at an exceedingly low frequency in gnomAD, a large-scale control population database (ACMG/AMP: PM2).

Labcorp Genetics (formerly Invitae), Labcorp
Classification: Likely pathogenic. Last evaluated: 2024-09-06. Review status: criteria provided, single submitter. Criteria: Invitae Variant Classification Sherloc (09022015). Collection method: clinical testing. Allele origin: germline.
Comment: This sequence change affects an acceptor splice site in intron 13 of the ELP1 gene. It is expected to disrupt RNA splicing. Variants that disrupt the donor or acceptor splice site typically lead to a loss of protein function (PMID: 16199547), and loss-of-function variants in ELP1 are known to be pathogenic (PMID: 18303054, 24173031). This variant is not present in population databases (gnomAD no frequency). This variant has not been reported in the literature in individuals affected with ELP1-related conditions. ClinVar contains an entry for this variant (Variation ID: 498695). Algorithms developed to predict the effect of sequence changes on RNA splicing suggest that this variant may disrupt the consensus splice site. In summary, the currently available evidence indicates that the variant is pathogenic, but additional data are needed to prove that conclusively. Therefore, this variant has been classified as Likely Pathogenic.

Mayo Clinic Laboratories, Mayo Clinic
Classification: Likely pathogenic. Last evaluated: 2024-08-19. Review status: criteria provided, single submitter. Criteria: ACMG Guidelines, 2015. Collection method: clinical testing. Allele origin: germline. Observed: 1 variant allele.
Comment: PP5, PM2, PVS1_strong

Genomic Medicine Center of Excellence, King Faisal Specialist Hospital and Research Centre
Classification: Pathogenic for Medulloblastoma. Last evaluated: 2024-03-26. Review status: criteria provided, single submitter. Criteria: ACMG Guidelines, 2015. Collection method: clinical testing. Allele origin: germline.

Women's Health and Genetics/Laboratory Corporation of America, LabCorp
Classification: Likely pathogenic for Familial dysautonomia. Last evaluated: 2021-11-16. Review status: criteria provided, single submitter. Criteria: LabCorp Variant Classification Summary - May 2015. Collection method: clinical testing. Allele origin: germline.
Comment: Variant summary: IKBKAP (also known as ELP1) c.1461-2A>G is located in a canonical splice-site and is predicted to affect mRNA splicing resulting in a significantly altered protein due to either exon skipping, shortening, or inclusion of intronic material. Several computational tools predict a significant impact on normal splicing: one predict the variant abolishes a 3 prime acceptor site. However, these predictions have yet to be confirmed by functional studies. The variant was absent in 251032 control chromosomes (gnomAD). To our knowledge, no occurrence of c.1461-2A>G in individuals affected with Familial Dysautonomia and no experimental evidence demonstrating its impact on protein function have been reported. Three clinical diagnostic laboratories have submitted clinical-significance assessments for this variant to ClinVar after 2014 and classified the variant as variant of uncertain significance (n=1) and likely pathogenic (n=2). Based on the evidence outlined above, the variant was classified as likely pathogenic.

Eurofins Ntd Llc (ga)
Classification: Uncertain significance. Last evaluated: 2018-01-18. Review status: criteria provided, single submitter. Criteria: EGL Classification Definitions 2015. Collection method: clinical testing. Allele origin: germline. Observed: 1 variant allele, 1 heterozygote.

Natera, Inc.
Classification: Likely pathogenic for Familial dysautonomia. Last evaluated: 2020-12-29. Review status: no assertion criteria provided. Collection method: clinical testing. Allele origin: germline. Not counted in ClinVar's aggregate classification.

Counsyl
Classification: Likely pathogenic for Familial dysautonomia. Last evaluated: 2017-07-10. Review status: no assertion criteria provided. Collection method: clinical testing. Allele origin: unknown. Not counted in ClinVar's aggregate classification.

Literature cited by the submitters: PubMed 32296180 (cited by Institute for Genomic Medicine (IGM) Clinical Laboratory, Nationwide Children's Hospital); PubMed 34687117 (cited by Institute for Genomic Medicine (IGM) Clinical Laboratory, Nationwide Children's Hospital); PubMed 16199547 (cited by Labcorp Genetics (formerly Invitae), Labcorp); PubMed 18303054 (cited by Labcorp Genetics (formerly Invitae), Labcorp); PubMed 24173031 (cited by Labcorp Genetics (formerly Invitae), Labcorp).

NM_003640.5(ELP1):c.1461-2A>G

Gene: ELP1 (elongator acetyltransferase complex subunit 1; minus strand). Cytogenetic location: 9q31.3.
Variant type: single nucleotide variant.
Coding change: c.1461-2A>G on transcript NM_003640.5 (MANE Select); the canonical splice acceptor site of the intron before coding-DNA position 1461, A replaced by G.
Molecular consequence: splice acceptor variant.
Genome position (GRCh38, 1-based): chr9:108,906,487, T>C on the plus strand (A>G on the coding strand, the complement: ELP1 is on the minus strand). VCF-style: chr9-108906487-T-C. GRCh37 (hg19) VCF-style: chr9-111668767-T-C.
Other names: c.1119-2A>G (NM_001318360.2); c.414-2A>G (NM_001330749.2).
Identifiers: ClinVar variation 498695 (VCV000498695.20), dbSNP rs866046915, ClinGen allele CA197540498.